The following is an entry in ClinVar:

NM_001037333.3(CYFIP2):c.1051C>T (p.Gln351Ter)

Gene: CYFIP2 (cytoplasmic FMR1 interacting protein 2; plus strand). Cytogenetic location: 5q33.3.
Variant type: single nucleotide variant.
Coding change: c.1051C>T on transcript NM_001037333.3 (MANE Select); coding-DNA position 1051, C replaced by T.
Protein change: p.Gln351Ter; replaces glutamine 351 with a stop codon.
Molecular consequence: nonsense.
Genome position (GRCh38, 1-based): chr5:157,311,722, C>T. VCF-style: chr5-157311722-C-T. GRCh37 (hg19) VCF-style: chr5-156738730-C-T.
Other names: c.973C>T, p.Gln325Ter (NM_001291721.2); c.1051C>T, p.Gln351Ter (NM_001291722.2, NM_014376.4); short protein forms Q325*, Q351*.
Identifiers: ClinVar variation 3369329 (VCV003369329.1).

ClinVar aggregate classification (germline): Uncertain significance (1 of 4 stars; one submission).

Submission:

GeneDx
Classification: Uncertain significance. Last evaluated: 2024-03-13. Review status: criteria provided, single submitter. Criteria: GeneDx Variant Classification Process June 2021. Collection method: clinical testing. Allele origin: germline. Affected: yes.
Comment: Not observed at significant frequency in large population cohorts (gnomAD); Nonsense variant predicted to result in protein truncation or nonsense mediated decay in a gene for which loss-of-function is not a known mechanism of disease; Has not been previously published as pathogenic or benign to our knowledge